The following is an entry in ClinVar:

NM_000444.6(PHEX):c.361A>T (p.Lys121Ter)

Gene: PHEX (phosphate regulating endopeptidase X-linked; plus strand). Cytogenetic location: Xp22.11.
Variant type: single nucleotide variant.
Coding change: c.361A>T on transcript NM_000444.6 (MANE Select); coding-DNA position 361, A replaced by T.
Protein change: p.Lys121Ter; replaces lysine 121 with a stop codon.
Molecular consequence: nonsense.
Genome position (GRCh38, 1-based): chrX:22,076,399, A>T. VCF-style: chrX-22076399-A-T. GRCh37 (hg19) VCF-style: chrX-22094517-A-T.
Other names: c.361A>T, p.Lys121Ter (NM_001282754.2); short protein forms K121*.
Identifiers: ClinVar variation 1074333 (VCV001074333.7), dbSNP rs2147019118, ClinGen allele CA412571045.

ClinVar aggregate classification (germline): Pathogenic (1 of 4 stars; one submission).

Submission:

Labcorp Genetics (formerly Invitae), Labcorp
Classification: Pathogenic. Last evaluated: 2020-01-22. Review status: criteria provided, single submitter. Criteria: Invitae Variant Classification Sherloc (09022015). Collection method: clinical testing. Allele origin: germline.
Comment: For these reasons, this variant has been classified as Pathogenic. Loss-of-function variants in PHEX are known to be pathogenic (PMID: 9097956, 9106524, 19219621). This variant has not been reported in the literature in individuals with PHEX-related conditions. This variant is not present in population databases (ExAC no frequency). This sequence change creates a premature translational stop signal (p.Lys121*) in the PHEX gene. It is expected to result in an absent or disrupted protein product.

Literature cited by the submitters: PubMed 9097956; PubMed 9106524; PubMed 19219621.